The following is an entry in ClinVar:

ClinVar aggregate classification (germline): Uncertain significance (1 of 4 stars; one submission).

Conditions:
Familial hypocalciuric hypercalcemia (FHH). Also called: Familial benign hypercalcemia. Identifiers: Orphanet 405, MedGen C1809471, MONDO:0018458.
Autosomal dominant hypocalcemia 1 (HYPOC1). Also called: HYPOCALCEMIA, FAMILIAL. Identifiers: MedGen C3715128, MONDO:0011013, OMIM 601198.

Submission:

Labcorp Genetics (formerly Invitae), Labcorp
Classification: Uncertain significance for Familial hypocalciuric hypercalcemia; Autosomal dominant hypocalcemia 1. Last evaluated: 2025-04-06. Review status: criteria provided, single submitter. Criteria: Invitae Variant Classification Sherloc (09022015). Collection method: clinical testing. Allele origin: germline.
Comment: This sequence change replaces asparagine, which is neutral and polar, with serine, which is neutral and polar, at codon 867 of the CASR protein (p.Asn867Ser). This variant is not present in population databases (gnomAD no frequency). This variant has not been reported in the literature in individuals affected with CASR-related conditions. An algorithm developed to predict the effect of missense changes on protein structure and function (PolyPhen-2) suggests that this variant is likely to be disruptive. In summary, the available evidence is currently insufficient to determine the role of this variant in disease. Therefore, it has been classified as a Variant of Uncertain Significance.

NM_000388.4(CASR):c.2600A>G (p.Asn867Ser)

Gene: CASR (calcium sensing receptor; plus strand). Cytogenetic location: 3q21.1.
Variant type: single nucleotide variant.
Coding change: c.2600A>G on transcript NM_000388.4 (MANE Select); coding-DNA position 2600, A replaced by G.
Protein change: p.Asn867Ser; replaces asparagine 867 with serine.
Molecular consequence: missense variant.
Genome position (GRCh38, 1-based): chr3:122,284,554, A>G. VCF-style: chr3-122284554-A-G. GRCh37 (hg19) VCF-style: chr3-122003401-A-G.
Other names: c.2630A>G, p.Asn877Ser (NM_001178065.2); short protein forms N867S, N877S.
Identifiers: ClinVar variation 4784168 (VCV004784168.1).